The following is an entry in ClinVar:

NM_017739.4(POMGNT1):c.1697T>C (p.Phe566Ser)

Genes: POMGNT1 (protein O-linked mannose N-acetylglucosaminyltransferase 1 (beta 1,2-); minus strand), TSPAN1 (tetraspanin 1; plus strand). Cytogenetic location: 1p34.1.
Variant type: single nucleotide variant.
Coding change: c.1697T>C on transcript NM_017739.4 (MANE Select); coding-DNA position 1697, T replaced by C.
Protein change: p.Phe566Ser; replaces phenylalanine 566 with serine.
Molecular consequence: missense variant.
Genome position (GRCh38, 1-based): chr1:46,189,942, A>G on the plus strand (T>C on the coding strand, the complement: POMGNT1 is on the minus strand). VCF-style: chr1-46189942-A-G. GRCh37 (hg19) VCF-style: chr1-46655614-A-G.
Other names: c.1697T>C, p.Phe566Ser (NM_001243766.2, NM_001410783.1); c.1631T>C, p.Phe544Ser (NM_001290129.3); c.1268T>C, p.Phe423Ser (NM_001290130.2); short protein forms F566S, F423S, F544S.
Identifiers: ClinVar variation 572551 (VCV000572551.10), dbSNP rs765906814, ClinGen allele CA833260.
Genomic context (GRCh38, chr1:46,189,942, plus strand): 5'-TCATCATCTTTCTCCATTCGAATAAAGGCCACGTAGGTGTGGCCCTCTGTGTCTGGCAGG[A>G]AAGAGTCTTCACAAGGGTTCTTGCTGTGGTCCAGAACCTCAGCCTCACTGCAGTAGAGGG-3'
Protein context (NP_060209.4, residues 556-576): DHSKNPCEDS[Phe566Ser]LPDTEGHTYV

ClinVar aggregate classification (germline): Conflicting classifications of pathogenicity. Review status: criteria provided, conflicting classifications (1 of 4 stars). 3 submissions from 3 submitters: Uncertain significance (1); Likely benign (1). 1 of the submissions does not count toward it. Last evaluated 2025-09-06.

Conditions:
Muscle eye brain disease (MEB). Also called: Santavuori congenital muscular dystrophy. Identifiers: Orphanet 588, Orphanet 899, MedGen C0457133, MONDO:0018939.
Muscular dystrophy-dystroglycanopathy (congenital with impaired intellectual development), type B, 3. Also called: Muscular dystrophy-dystroglycanopathy (congenital with intellectual disability), type B3; MUSCULAR DYSTROPHY, CONGENITAL, POMGNT1-RELATED. Identifiers: MedGen C3150412, MONDO:0013155, OMIM 613151.
Autosomal recessive limb-girdle muscular dystrophy type 2O. Also called: Limb-Girdle Muscular Dystrophy Type 3C; MUSCULAR DYSTROPHY-DYSTROGLYCANOPATHY (LIMB-GIRDLE), TYPE C, 3; MUSCULAR DYSTROPHY-DYSTROGLYCANOPATHY, LIMB-GIRDLE, POMGNT1-RELATED. Identifiers: Orphanet 206564, MedGen C3150417, MONDO:0013161, OMIM 613157.

Allele frequency attached by ClinVar (database versions not stated): TOPMed below 0.00001; gnomAD exomes 0.00002 and 0.00003; ExAC 0.00002.
gnomAD v4.1: 26 of 1,614,112 alleles (0.0016%); highest among the groups gnomAD compares: Non-Finnish European, 0.00093%; no homozygotes.

Submissions (3):

Labcorp Genetics (formerly Invitae), Labcorp
Classification: Likely benign for Autosomal recessive limb-girdle muscular dystrophy type 2O; Muscular dystrophy-dystroglycanopathy (congenital with impaired intellectual development), type B, 3. Last evaluated: 2025-09-06. Review status: criteria provided, single submitter. Criteria: Invitae Variant Classification Sherloc (09022015). Collection method: clinical testing. Allele origin: germline.

GeneDx
Classification: Uncertain significance. Last evaluated: 2025-01-31. Review status: criteria provided, single submitter. Criteria: GeneDx Variant Classification Process June 2021. Collection method: clinical testing. Allele origin: germline. Affected: yes.
Comment: In silico analysis supports that this missense variant has a deleterious effect on protein structure/function; Has not been previously published as pathogenic or benign to our knowledge; This variant is associated with the following publications: (PMID: 24282183)

Natera, Inc.
Classification: Uncertain significance for Muscle-eye-brain disease. Last evaluated: 2019-10-28. Review status: no assertion criteria provided. Collection method: clinical testing. Allele origin: germline. Not counted in ClinVar's aggregate classification.